The following is an entry in ClinVar:

ClinVar aggregate classification (germline): Uncertain significance (1 of 4 stars; one submission).

Allele frequency attached by ClinVar (database versions not stated): gnomAD exomes 0.00002; ExAC 0.00004; ESP Exome Variant Server 0.00008; 1000 Genomes Project 30x 0.00016; TOPMed 0.00016; gnomAD 0.00017; 1000 Genomes Project 0.00020.
gnomAD v4.1: 49 of 1,608,864 alleles (0.003%); highest among the groups gnomAD compares: African/African-American, 0.06%; no homozygotes.

Submission:

Labcorp Genetics (formerly Invitae), Labcorp
Classification: Uncertain significance. Last evaluated: 2024-01-13. Review status: criteria provided, single submitter. Criteria: Invitae Variant Classification Sherloc (09022015). Collection method: clinical testing. Allele origin: germline.
Comment: This sequence change replaces proline, which is neutral and non-polar, with serine, which is neutral and polar, at codon 506 of the SBF1 protein (p.Pro506Ser). This variant is present in population databases (rs370122832, gnomAD 0.03%). This variant has not been reported in the literature in individuals affected with SBF1-related conditions. ClinVar contains an entry for this variant (Variation ID: 1391532). Advanced modeling of protein sequence and biophysical properties (such as structural, functional, and spatial information, amino acid conservation, physicochemical variation, residue mobility, and thermodynamic stability) performed at Invitae indicates that this missense variant is expected to disrupt SBF1 protein function with a positive predictive value of 80%. In summary, the available evidence is currently insufficient to determine the role of this variant in disease. Therefore, it has been classified as a Variant of Uncertain Significance.

NM_002972.4(SBF1):c.1516C>T (p.Pro506Ser)

Gene: SBF1 (SET binding factor 1; minus strand). Cytogenetic location: 22q13.33.
Variant type: single nucleotide variant.
Coding change: c.1516C>T on transcript NM_002972.4 (MANE Select); coding-DNA position 1516, C replaced by T.
Protein change: p.Pro506Ser; replaces proline 506 with serine.
Molecular consequence: missense variant.
Genome position (GRCh38, 1-based): chr22:50,464,654, G>A on the plus strand (C>T on the coding strand, the complement: SBF1 is on the minus strand). VCF-style: chr22-50464654-G-A. GRCh37 (hg19) VCF-style: chr22-50903083-G-A.
Other names: c.1519C>T, p.Pro507Ser (NM_001365819.1); short protein forms P506S, P507S.
Identifiers: ClinVar variation 1391532 (VCV001391532.6), dbSNP rs370122832, ClinGen allele CA10317622.